The following is an entry in ClinVar:

NM_153717.3(EVC):c.58G>C (p.Ala20Pro)

Gene: EVC (EvC ciliary complex subunit 1; plus strand). Cytogenetic location: 4p16.2.
Variant type: single nucleotide variant.
Coding change: c.58G>C on transcript NM_153717.3 (MANE Select); coding-DNA position 58, G replaced by C.
Protein change: p.Ala20Pro; replaces alanine 20 with proline.
Molecular consequence: missense variant.
Genome position (GRCh38, 1-based): chr4:5,711,438, G>C. VCF-style: chr4-5711438-G-C. GRCh37 (hg19) VCF-style: chr4-5713165-G-C.
Other names: c.58G>C (NM_153717.2); c.58G>C, p.Ala20Pro (NM_001306090.2, NM_001306092.2); short protein forms A20P.
Identifiers: ClinVar variation 1035575 (VCV001035575.11), dbSNP rs1359522467, ClinGen allele CA356156420.

ClinVar aggregate classification (germline): Uncertain significance. Review status: criteria provided, multiple submitters, no conflicts (2 of 4 stars). 3 submissions from 3 submitters: Uncertain significance (2). 1 of the submissions does not count toward it. Last evaluated 2024-10-09.

Conditions:
Inborn genetic diseases. Identifiers: MedGen C0950123, MeSH D030342.
Curry-Hall syndrome (WAD). Also called: WEYERS ACRODENTAL DYSOSTOSIS. Identifiers: Orphanet 952, MedGen C0457013, MONDO:0008673, OMIM 193530.
Ellis-van Creveld syndrome (EVC). Also called: EVC2-Related Ellis-van Creveld Syndrome; MESOECTODERMAL DYSPLASIA; Chondroectodermal dysplasia; EVC-Related Ellis-van Creveld Syndrome. Identifiers: Orphanet 289, MedGen C0013903, MONDO:0009162, OMIM 225500.

Allele frequency attached by ClinVar (database versions not stated): gnomAD exomes 0.00001; TOPMed 0.00001.
gnomAD v4.1: 8 of 1,023,622 alleles (0.00078%); highest among the groups gnomAD compares: Non-Finnish European, 0.00093%; no homozygotes.

Submissions (3):

Ambry Genetics
Classification: Uncertain significance for Inborn genetic diseases. Last evaluated: 2024-10-09. Review status: criteria provided, single submitter. Criteria: Ambry Variant Classification Scheme 2023. Collection method: clinical testing. Allele origin: germline.

Labcorp Genetics (formerly Invitae), Labcorp
Classification: Uncertain significance for Curry-Hall syndrome; Ellis-van Creveld syndrome. Last evaluated: 2023-04-24. Review status: criteria provided, single submitter. Criteria: Invitae Variant Classification Sherloc (09022015). Collection method: clinical testing. Allele origin: germline.
Comment: In summary, the available evidence is currently insufficient to determine the role of this variant in disease. Therefore, it has been classified as a Variant of Uncertain Significance. An algorithm developed to predict the effect of missense changes on protein structure and function (PolyPhen-2) suggests that this variant is likely to be disruptive. ClinVar contains an entry for this variant (Variation ID: 1035575). This variant has not been reported in the literature in individuals affected with EVC-related conditions. The frequency data for this variant in the population databases is considered unreliable, as metrics indicate insufficient coverage at this position in the gnomAD database. This sequence change replaces alanine, which is neutral and non-polar, with proline, which is neutral and non-polar, at codon 20 of the EVC protein (p.Ala20Pro).

Natera, Inc.
Classification: Uncertain significance for Ellis-van Creveld syndrome. Last evaluated: 2020-02-04. Review status: no assertion criteria provided. Collection method: clinical testing. Allele origin: germline. Not counted in ClinVar's aggregate classification.